The following is an entry in ClinVar:

ClinVar aggregate classification (germline): Likely benign. Review status: criteria provided, multiple submitters, no conflicts (2 of 4 stars). 3 submissions from 3 submitters: Likely benign (3). Last evaluated 2026-06-05.

Conditions:
VCL-related disorder. Also called: VCL-related condition.
Cardiovascular phenotype. Identifiers: MedGen CN230736.
Dilated cardiomyopathy 1W (CMD1W). Identifiers: Orphanet 154, MedGen C1969639, MONDO:0012667, OMIM 611407.

Allele frequency attached by ClinVar (database versions not stated): gnomAD exomes 0.00002.
gnomAD v4.1: 24 of 1,613,988 alleles (0.0015%); highest among the groups gnomAD compares: Non-Finnish European, 0.0019%; no homozygotes.

Submissions (3):

PreventionGenetics, part of Exact Sciences
Classification: Likely benign for VCL-related condition. Last evaluated: 2026-06-05. Review status: criteria provided, single submitter. Criteria: ACMG Guidelines, 2015. Collection method: clinical testing. Allele origin: germline.
Comment: This variant is classified as likely benign based on ACMG/AMP sequence variant interpretation guidelines (Richards et al. 2015 PMID: 25741868, with internal and published modifications).

Labcorp Genetics (formerly Invitae), Labcorp
Classification: Likely benign for Dilated cardiomyopathy 1W. Last evaluated: 2025-12-17. Review status: criteria provided, single submitter. Criteria: Invitae Variant Classification Sherloc (09022015). Collection method: clinical testing. Allele origin: germline.

Ambry Genetics
Classification: Likely benign for Cardiovascular phenotype. Last evaluated: 2023-09-07. Review status: criteria provided, single submitter. Criteria: Ambry Variant Classification Scheme 2023. Collection method: clinical testing. Allele origin: germline.

NM_014000.3(VCL):c.875-4T>G

Gene: VCL (vinculin; plus strand). Cytogenetic location: 10q22.2.
Variant type: single nucleotide variant.
Coding change: c.875-4T>G on transcript NM_014000.3 (MANE Select); 4 bases into the intron before coding-DNA position 875, T replaced by G.
Molecular consequence: intron variant.
Genome position (GRCh38, 1-based): chr10:74,083,362, T>G. VCF-style: chr10-74083362-T-G. GRCh37 (hg19) VCF-style: chr10-75843120-T-G.
Other names: c.875-4T>G (NM_003373.4).
Identifiers: ClinVar variation 2586046 (VCV002586046.4), dbSNP rs2549218964, ClinGen allele CA2528787657.